The following is an entry in ClinVar:

ClinVar aggregate classification (germline): Uncertain significance. Review status: criteria provided, multiple submitters, no conflicts (2 of 4 stars). 3 submissions from 3 submitters: Uncertain significance (3). Last evaluated 2025-03-10.

Conditions:
Hereditary breast ovarian cancer syndrome. Also called: Breast and ovarian cancer; Hereditary breast and/or ovarian cancer syndrome; Hereditary breast and ovarian cancer; Hereditary breast and ovarian cancer syndrome (HBOC); BRCA1- and BRCA2-Associated Hereditary Breast and Ovarian Cancer; Hereditary breast and ovarian cancer syndrome. Identifiers: Orphanet 145, MedGen C0677776, MeSH D061325, MONDO:0003582. Disease mechanism: loss of function.
Hereditary cancer-predisposing syndrome. Also called: Hereditary Cancer Syndrome; Neoplastic Syndromes, Hereditary; Tumor predisposition; Hereditary neoplastic syndrome. Identifiers: Orphanet 140162, MedGen C0027672, MeSH D009386, MONDO:0015356.

Submissions (3):

Ambry Genetics
Classification: Uncertain significance for Hereditary cancer-predisposing syndrome. Last evaluated: 2025-03-10. Review status: criteria provided, single submitter. Criteria: Ambry Variant Classification Scheme 2023. Collection method: clinical testing. Allele origin: germline.
Comment: The p.A3122G variant (also known as c.9365C>G), located in coding exon 24 of the BRCA2 gene, results from a C to G substitution at nucleotide position 9365. The alanine at codon 3122 is replaced by glycine, an amino acid with similar properties. This amino acid position is highly conserved in available vertebrate species. In addition, the in silico prediction for this alteration is inconclusive. Based on the available evidence, the clinical significance of this variant remains unclear.

Labcorp Genetics (formerly Invitae), Labcorp
Classification: Uncertain significance for Hereditary breast ovarian cancer syndrome. Last evaluated: 2024-05-13. Review status: criteria provided, single submitter. Criteria: Invitae Variant Classification Sherloc (09022015). Collection method: clinical testing. Allele origin: germline.
Comment: This sequence change replaces alanine, which is neutral and non-polar, with glycine, which is neutral and non-polar, at codon 3122 of the BRCA2 protein (p.Ala3122Gly). This variant is not present in population databases (gnomAD no frequency). This variant has not been reported in the literature in individuals affected with BRCA2-related conditions. ClinVar contains an entry for this variant (Variation ID: 489798). Advanced modeling of protein sequence and biophysical properties (such as structural, functional, and spatial information, amino acid conservation, physicochemical variation, residue mobility, and thermodynamic stability) performed at Invitae indicates that this missense variant is not expected to disrupt BRCA2 protein function with a negative predictive value of 95%. In summary, the available evidence is currently insufficient to determine the role of this variant in disease. Therefore, it has been classified as a Variant of Uncertain Significance.

Color Diagnostics, LLC DBA Color Health
Classification: Uncertain significance for Hereditary cancer-predisposing syndrome. Last evaluated: 2019-04-28. Review status: criteria provided, single submitter. Criteria: ACMG Guidelines, 2015. Collection method: clinical testing. Allele origin: germline.

NM_000059.4(BRCA2):c.9365C>G (p.Ala3122Gly)

Gene: BRCA2 (BRCA2 DNA repair associated; plus strand). Cytogenetic location: 13q13.1.
Variant type: single nucleotide variant.
Coding change: c.9365C>G on transcript NM_000059.4 (MANE Select); coding-DNA position 9365, C replaced by G.
Protein change: p.Ala3122Gly; replaces alanine 3122 with glycine.
Molecular consequence: missense variant.
Genome position (GRCh38, 1-based): chr13:32,394,797, C>G. VCF-style: chr13-32394797-C-G. GRCh37 (hg19) VCF-style: chr13-32968934-C-G.
Other names: short protein forms A3122G.
Identifiers: ClinVar variation 489798 (VCV000489798.7), dbSNP rs571971903, ClinGen allele CA387761169.